The following is an entry in ClinVar:

NM_006059.4(LAMC3):c.4704C>T (p.Pro1568=)

Gene: LAMC3 (laminin subunit gamma 3; plus strand). Cytogenetic location: 9q34.12.
Variant type: single nucleotide variant.
Coding change: c.4704C>T on transcript NM_006059.4 (MANE Select); coding-DNA position 4704, C replaced by T.
Protein change: p.Pro1568=; no amino-acid change (proline 1568 retained).
Molecular consequence: synonymous variant.
Genome position (GRCh38, 1-based): chr9:131,091,763, C>T. VCF-style: chr9-131091763-C-T. GRCh37 (hg19) VCF-style: chr9-133967150-C-T.
Identifiers: ClinVar variation 735344 (VCV000735344.11), dbSNP rs145337606, ClinGen allele CA5288259.

ClinVar aggregate classification (germline): Likely benign. Review status: criteria provided, multiple submitters, no conflicts (2 of 4 stars). 3 submissions from 3 submitters: Likely benign (2). 1 of the submissions does not count toward it. Last evaluated 2025-11-13.

Conditions:
LAMC3-related disorder. Also called: LAMC3-related condition.

Allele frequency attached by ClinVar (database versions not stated): gnomAD 0.00012 and 0.00014; ExAC 0.00014; ESP Exome Variant Server 0.00015; TOPMed 0.00017.
gnomAD v4.1: 285 of 1,612,842 alleles (0.018%); highest among the groups gnomAD compares: Non-Finnish European, 0.022%; no homozygotes.

Submissions (3):

Labcorp Genetics (formerly Invitae), Labcorp
Classification: Likely benign. Last evaluated: 2025-11-13. Review status: criteria provided, single submitter. Criteria: Invitae Variant Classification Sherloc (09022015). Collection method: clinical testing. Allele origin: germline.

Blueprint Genetics
Classification: Likely benign. Last evaluated: 2024-06-18. Review status: criteria provided, single submitter. Criteria: ACMG Guidelines, 2015. Collection method: clinical testing. Allele origin: germline.

PreventionGenetics, part of Exact Sciences
Classification: Likely benign for LAMC3-related condition. Last evaluated: 2020-07-27. Review status: no assertion criteria provided. Collection method: clinical testing. Allele origin: germline. Not counted in ClinVar's aggregate classification.
Comment: This variant is classified as likely benign based on ACMG/AMP sequence variant interpretation guidelines (Richards et al. 2015 PMID: 25741868, with internal and published modifications).